The following is an entry in ClinVar:

NM_198407.2(GHSR):c.728G>A (p.Arg243Lys)

Gene: GHSR (growth hormone secretagogue receptor; minus strand). Cytogenetic location: 3q26.31.
Variant type: single nucleotide variant.
Coding change: c.728G>A on transcript NM_198407.2 (MANE Select); coding-DNA position 728, G replaced by A.
Protein change: p.Arg243Lys; replaces arginine 243 with lysine.
Molecular consequence: missense variant.
Genome position (GRCh38, 1-based): chr3:172,447,686, C>T on the plus strand (G>A on the coding strand, the complement: GHSR is on the minus strand). VCF-style: chr3-172447686-C-T. GRCh37 (hg19) VCF-style: chr3-172165476-C-T.
Other names: c.728G>A, p.Arg243Lys (NM_004122.2); short protein forms R243K.
Identifiers: ClinVar variation 4764013 (VCV004764013.1).
Genomic context (GRCh38, chr3:172,447,686, plus strand): 5'-TTCACGGTTTGCTTGTGGTTCTGGTCCCTGAGCGAGGCACCCACGACAGCATCGCCGCGC[C>T]TCCTCCGCCACAGCTTCCTGCCGATGAGACTGTAGAGGACCGTGAGACAGAAGACAGGAA-3'
Protein context (NP_940799.1, residues 233-253): SLIGRKLWRR[Arg243Lys]RGDAVVGASL

ClinVar aggregate classification (germline): Uncertain significance (1 of 4 stars; one submission).

Submission:

Labcorp Genetics (formerly Invitae), Labcorp
Classification: Uncertain significance. Last evaluated: 2025-06-30. Review status: criteria provided, single submitter. Criteria: Invitae Variant Classification Sherloc (09022015). Collection method: clinical testing. Allele origin: germline.
Comment: This sequence change replaces arginine, which is basic and polar, with lysine, which is basic and polar, at codon 243 of the GHSR protein (p.Arg243Lys). This variant is present in population databases (rs755360505, gnomAD 0.002%). This variant has not been reported in the literature in individuals affected with GHSR-related conditions. Invitae Evidence Modeling of protein sequence and biophysical properties (such as structural, functional, and spatial information, amino acid conservation, physicochemical variation, residue mobility, and thermodynamic stability) indicates that this missense variant is not expected to disrupt GHSR protein function with a negative predictive value of 80%. In summary, the available evidence is currently insufficient to determine the role of this variant in disease. Therefore, it has been classified as a Variant of Uncertain Significance.